The following is an entry in ClinVar:

NM_001042492.3(NF1):c.4545G>A (p.Gln1515=)

Gene: NF1 (neurofibromin 1; plus strand). Cytogenetic location: 17q11.2.
Variant type: single nucleotide variant.
Coding change: c.4545G>A on transcript NM_001042492.3 (MANE Select); coding-DNA position 4545, G replaced by A.
Protein change: p.Gln1515=; no amino-acid change (glutamine 1515 retained).
Molecular consequence: synonymous variant.
Genome position (GRCh38, 1-based): chr17:31,260,483, G>A. VCF-style: chr17-31260483-G-A. GRCh37 (hg19) VCF-style: chr17-29587501-G-A.
Other names: c.4482G>A, p.Gln1494= (NM_000267.4).
Identifiers: ClinVar variation 1161145 (VCV001161145.9), dbSNP rs1597747124, ClinGen allele CA499233733.
Genomic context (GRCh38, chr17:31,260,483, plus strand): 5'-TCTTTCCTTCATAAGTGACGGCAATGTGCTTGCTTTACATCGTCTACTCTGGAACAATCA[G>A]GAGAAAATTGGGCAGTATCTTTCCAGCAACAGGTAAGATTTCCCAGTCATGGGGATAGTG-3'
Protein context (NP_001035957.1, residues 1505-1525): LALHRLLWNN[Gln1515=]EKIGQYLSSN

ClinVar aggregate classification (germline): Benign/Likely benign. Review status: criteria provided, multiple submitters, no conflicts (2 of 4 stars). 3 submissions from 3 submitters: Benign (1); Likely benign (2). Last evaluated 2026-05-19.

Conditions:
Neurofibromatosis, type 1 (NF1). Also called: Peripheral type neurofibromatosis; NEUROFIBROMATOSIS, TYPE I, SOMATIC; VON RECKLINGHAUSEN DISEASE; Neurofibromatosis, type I. Identifiers: Orphanet 636, MedGen C0027831, MONDO:0018975, OMIM 162200. Disease mechanism: loss of function.
Cardiovascular phenotype. Identifiers: MedGen CN230736.
Hereditary cancer-predisposing syndrome. Also called: Neoplastic Syndromes, Hereditary; Tumor predisposition; Hereditary Cancer Syndrome; Hereditary neoplastic syndrome. Identifiers: Orphanet 140162, MedGen C0027672, MeSH D009386, MONDO:0015356.

Allele frequency attached by ClinVar (database versions not stated): gnomAD exomes below 0.00001.
gnomAD v4.1: 3 of 1,613,976 alleles (0.00019%); highest among the groups gnomAD compares: East Asian, 0.0067%; no homozygotes.

Submissions (3):

Myriad Genetics, Inc.
Classification: Benign for Neurofibromatosis, type 1. Last evaluated: 2026-05-19. Review status: criteria provided, single submitter. Criteria: Myriad Autosomal Dominant, Autosomal Recessive and X-Linked Classification Criteria (2023). Collection method: clinical testing. Allele origin: unknown.
Comment: This variant is considered benign. This variant is a silent/synonymous amino acid change and it is not expected to impact splicing.

Ambry Genetics
Classification: Likely benign for Cardiovascular phenotype; Hereditary cancer-predisposing syndrome. Last evaluated: 2024-10-22. Review status: criteria provided, single submitter. Criteria: Ambry Variant Classification Scheme 2023. Collection method: clinical testing. Allele origin: germline.

Labcorp Genetics (formerly Invitae), Labcorp
Classification: Likely benign for Neurofibromatosis, type 1. Last evaluated: 2024-07-03. Review status: criteria provided, single submitter. Criteria: Invitae Variant Classification Sherloc (09022015). Collection method: clinical testing. Allele origin: germline.